The following is an entry in ClinVar:

ClinVar aggregate classification (germline): Uncertain significance. Review status: criteria provided, multiple submitters, no conflicts (2 of 4 stars). 3 submissions from 3 submitters: Uncertain significance (3). Last evaluated 2025-05-20.

Allele frequency attached by ClinVar (database versions not stated): gnomAD exomes 0.00001; gnomAD 0.00001; TOPMed 0.00001.
gnomAD v4.1: 8 of 1,209,019 alleles (0.00066%); highest among the groups gnomAD compares: Middle Eastern, 0.023%; no homozygotes.

Submissions (3):

Women's Health and Genetics/Laboratory Corporation of America, LabCorp
Classification: Uncertain significance. Last evaluated: 2025-05-20. Review status: criteria provided, single submitter. Criteria: LabCorp Variant Classification Summary - May 2015. Collection method: clinical testing. Allele origin: germline.
Comment: Variant summary: NEXMIF c.3221C>T (p.Pro1074Leu) results in a non-conservative amino acid change in the encoded protein sequence. Algorithms developed to predict the effect of missense changes on protein structure and function are either unavailable or do not agree on the potential impact of this missense change. The variant was absent in 183248 control chromosomes. The available data on variant occurrences in the general population are insufficient to allow any conclusion about variant significance. To our knowledge, no occurrence of c.3221C>T in individuals affected with Intellectual Developmental Disorder, X-Linked 98 and no experimental evidence demonstrating its impact on protein function have been reported. ClinVar contains an entry for this variant (Variation ID: 1057607). Based on the evidence outlined above, the variant was classified as uncertain significance.

Ambry Genetics
Classification: Uncertain significance. Last evaluated: 2025-05-14. Review status: criteria provided, single submitter. Criteria: Ambry Variant Classification Scheme 2023. Collection method: clinical testing. Allele origin: germline.

Labcorp Genetics (formerly Invitae), Labcorp
Classification: Uncertain significance. Last evaluated: 2025-04-08. Review status: criteria provided, single submitter. Criteria: Invitae Variant Classification Sherloc (09022015). Collection method: clinical testing. Allele origin: germline.
Comment: This sequence change replaces proline, which is neutral and non-polar, with leucine, which is neutral and non-polar, at codon 1074 of the NEXMIF protein (p.Pro1074Leu). This variant is not present in population databases (gnomAD no frequency). This variant has not been reported in the literature in individuals affected with NEXMIF-related conditions. ClinVar contains an entry for this variant (Variation ID: 1057607). An algorithm developed to predict the effect of missense changes on protein structure and function (PolyPhen-2) suggests that this variant is likely to be disruptive. In summary, the available evidence is currently insufficient to determine the role of this variant in disease. Therefore, it has been classified as a Variant of Uncertain Significance.

NM_001008537.3(NEXMIF):c.3221C>T (p.Pro1074Leu)

Gene: NEXMIF (neurite extension and migration factor; minus strand). Cytogenetic location: Xq13.3.
Variant type: single nucleotide variant.
Coding change: c.3221C>T on transcript NM_001008537.3 (MANE Select); coding-DNA position 3221, C replaced by T.
Protein change: p.Pro1074Leu; replaces proline 1074 with leucine.
Molecular consequence: missense variant.
Genome position (GRCh38, 1-based): chrX:74,741,336, G>A on the plus strand (C>T on the coding strand, the complement: NEXMIF is on the minus strand). VCF-style: chrX-74741336-G-A. GRCh37 (hg19) VCF-style: chrX-73961171-G-A.
Other names: c.3221C>T (NM_001008537.2); short protein forms P1074L.
Identifiers: ClinVar variation 1057607 (VCV001057607.11), dbSNP rs1346251253, ClinGen allele CA413666439.